The following is an entry in ClinVar:

NM_000525.4(KCNJ11):c.1001G>A (p.Gly334Asp)

Gene: KCNJ11 (potassium inwardly rectifying channel subfamily J member 11; minus strand). Cytogenetic location: 11p15.1.
Variant type: single nucleotide variant.
Coding change: c.1001G>A on transcript NM_000525.4 (MANE Select); coding-DNA position 1001, G replaced by A.
Protein change: p.Gly334Asp; replaces glycine 334 with aspartic acid.
Molecular consequence: missense variant.
Genome position (GRCh38, 1-based): chr11:17,387,091, C>T on the plus strand (G>A on the coding strand, the complement: KCNJ11 is on the minus strand). VCF-style: chr11-17387091-C-T. GRCh37 (hg19) VCF-style: chr11-17408638-C-T.
Other names: c.740G>A, p.Gly247Asp (NM_001166290.2, NM_001377296.1, NM_001377297.1); short protein forms G334D, G247D.
Identifiers: ClinVar variation 21193 (VCV000021193.4), dbSNP rs193929358, ClinGen allele CA341712.

ClinVar aggregate classification (germline): Benign. Review status: criteria provided, single submitter (1 of 4 stars). 2 submissions from 2 submitters: Benign (1). 1 of the submissions does not count toward it.

Conditions:
Permanent neonatal diabetes mellitus (PNDM). Identifiers: Orphanet 99885, MedGen C1833104, MONDO:0100164, MONDO:0011643. Disease mechanism: gain of function.
Transitory neonatal diabetes mellitus. Also called: Transient neonatal diabetes mellitus. Identifiers: MedGen C0342273, MONDO:0020525, HP:0008255.

Submissions (2):

Clinical Genomics, Uppaluri K&H Personalized Medicine Clinic
Classification: Benign for Transitory neonatal diabetes mellitus. Review status: criteria provided, single submitter. Criteria: K & H Uppaluri Personalized Medicine Clinic Variant Classification & Assertion Criteria_Updated V.1. Collection method: research. Allele origin: somatic. Inheritance: Autosomal dominant inheritance. Affected: yes.
Comment: Mutations in KCNJ11 gene can cause decreased production and secretion of insulin. This can lead to MODY which is responsive to oral sulfonylureas. This particular variant (rs193929358) is associated with PNDM.

GeneReviews
No classification provided. Condition: Permanent neonatal diabetes mellitus. Review status: no classification provided. Collection method: literature only. Allele origin: unknown. Not counted in ClinVar's aggregate classification.

Literature cited by the submitters: PubMed 32279225 (cited by Clinical Genomics, Uppaluri K&H Personalized Medicine Clinic); PubMed 20301620 (cited by GeneReviews); NCBI Bookshelf NBK1447 (cited by GeneReviews).